The following is an entry in ClinVar:

ClinVar aggregate classification (germline): Uncertain significance. Review status: criteria provided, single submitter (1 of 4 stars). 2 submissions from 2 submitters: Uncertain significance (1). 1 of the submissions does not count toward it. Last evaluated 2019-11-14.

Conditions:
Alstrom syndrome (ALMS). Identifiers: Orphanet 64, MedGen C0268425, MONDO:0008763, OMIM 203800.

Allele frequency attached by ClinVar (database versions not stated): gnomAD exomes below 0.00001.
gnomAD v4.1: 1 of 1,614,024 alleles (0.000062%); highest among the groups gnomAD compares: African/African-American, 0.0013%; no homozygotes.

Submissions (2):

GeneDx
Classification: Uncertain significance. Last evaluated: 2019-11-14. Review status: criteria provided, single submitter. Criteria: GeneDx Variant Classification Process June 2021. Collection method: clinical testing. Allele origin: germline. Affected: yes.
Comment: Has not been previously published as pathogenic or benign to our knowledge; Not observed in large population cohorts (Lek et al., 2016); In silico analysis, which includes protein predictors and evolutionary conservation, supports that this variant does not alter protein structure/function

Natera, Inc.
Classification: Uncertain significance for Alstrom syndrome. Last evaluated: 2025-04-17. Review status: no assertion criteria provided. Collection method: clinical testing. Allele origin: germline. Not counted in ClinVar's aggregate classification.

NM_001378454.1(ALMS1):c.3413C>T (p.Thr1138Ile)

Gene: ALMS1 (ALMS1 centrosome and basal body associated protein; plus strand). Cytogenetic location: 2p13.1.
Variant type: single nucleotide variant.
Coding change: c.3413C>T on transcript NM_001378454.1 (MANE Select); coding-DNA position 3413, C replaced by T.
Protein change: p.Thr1138Ile; replaces threonine 1138 with isoleucine.
Molecular consequence: missense variant.
Genome position (GRCh38, 1-based): chr2:73,449,940, C>T. VCF-style: chr2-73449940-C-T. GRCh37 (hg19) VCF-style: chr2-73677067-C-T.
Other names: c.3416C>T, p.Thr1139Ile (NM_015120.4); short protein forms T1138I, T1139I.
Identifiers: ClinVar variation 1304324 (VCV001304324.3), dbSNP rs1671892972, ClinGen allele CA347275564.